The following is an entry in ClinVar:

ClinVar aggregate classification (germline): Uncertain significance (1 of 4 stars; one submission).

Conditions:
Developmental and epileptic encephalopathy, 14 (DEE14). Also called: Early infantile epileptic encephalopathy 14. Identifiers: Orphanet 293181, MedGen C3554195, MONDO:0013989, OMIM 614959.
Autosomal dominant nocturnal frontal lobe epilepsy 5. Also called: Epilepsy, nocturnal frontal lobe, 5; CILIARY DYSKINESIA, PRIMARY, 28, WITH SITUS INVERSUS; CILIARY DYSKINESIA, PRIMARY, 28, WITHOUT SITUS INVERSUS; KCNT1-Related Epilepsy. Identifiers: Orphanet 98784, MedGen C3554306, MONDO:0014002, OMIM 615005.

Submission:

Labcorp Genetics (formerly Invitae), Labcorp
Classification: Uncertain significance for Autosomal dominant nocturnal frontal lobe epilepsy 5; Developmental and epileptic encephalopathy, 14. Last evaluated: 2022-05-27. Review status: criteria provided, single submitter. Criteria: Invitae Variant Classification Sherloc (09022015). Collection method: clinical testing. Allele origin: germline.
Comment: This sequence change replaces threonine, which is neutral and polar, with isoleucine, which is neutral and non-polar, at codon 175 of the KCNT1 protein (p.Thr175Ile). This variant is not present in population databases (gnomAD no frequency). This variant has not been reported in the literature in individuals affected with KCNT1-related conditions. Advanced modeling of protein sequence and biophysical properties (such as structural, functional, and spatial information, amino acid conservation, physicochemical variation, residue mobility, and thermodynamic stability) performed at Invitae indicates that this missense variant is not expected to disrupt KCNT1 protein function. In summary, the available evidence is currently insufficient to determine the role of this variant in disease. Therefore, it has been classified as a Variant of Uncertain Significance.

NM_020822.3(KCNT1):c.524C>T (p.Thr175Ile)

Gene: KCNT1 (potassium sodium-activated channel subfamily T member 1; plus strand). Cytogenetic location: 9q34.3.
Variant type: single nucleotide variant.
Coding change: c.524C>T on transcript NM_020822.3 (MANE Select); coding-DNA position 524, C replaced by T.
Protein change: p.Thr175Ile; replaces threonine 175 with isoleucine.
Molecular consequence: missense variant.
Genome position (GRCh38, 1-based): chr9:135,755,153, C>T. VCF-style: chr9-135755153-C-T. GRCh37 (hg19) VCF-style: chr9-138646999-C-T.
Other names: c.380C>T, p.Thr127Ile (NM_001272003.2); short protein forms T127I, T175I.
Identifiers: ClinVar variation 2038481 (VCV002038481.4), dbSNP rs2490814132, ClinGen allele CA375496544.